The following is an entry in ClinVar:

ClinVar aggregate classification (germline): Uncertain significance (1 of 4 stars; one submission).

Conditions:
CFAP418-related disorder. Also called: CFAP418-related condition.

gnomAD v4.1: 13 of 1,614,150 alleles (0.00081%); highest among the groups gnomAD compares: Admixed American, 0.0017%; no homozygotes.

Submission:

PreventionGenetics, part of Exact Sciences
Classification: Uncertain significance for CFAP418-related condition. Last evaluated: 2025-11-25. Review status: criteria provided, single submitter. Criteria: ACMG Guidelines, 2015. Collection method: clinical testing. Allele origin: germline.
Comment: The CFAP418 c.14T>C variant is predicted to result in the amino acid substitution p.Leu5Pro. To our knowledge, this variant has not been reported in the literature. This variant is reported in 0.0018% of alleles in individuals of European (Non-Finnish) descent in gnomAD. At this time, the clinical significance of this variant is uncertain due to the absence of conclusive functional and genetic evidence.

NM_177965.4(CFAP418):c.14T>C (p.Leu5Pro)

Genes: CFAP418 (cilia and flagella associated protein 418; minus strand), CFAP418-AS1 (CFAP418 antisense RNA 1; plus strand), LOC130000784 (ATAC-STARR-seq lymphoblastoid active region 27655; plus strand). Cytogenetic location: 8q22.1.
Variant type: single nucleotide variant.
Coding change: c.14T>C on transcript NM_177965.4 (MANE Select); coding-DNA position 14, T replaced by C.
Protein change: p.Leu5Pro; replaces leucine 5 with proline.
Molecular consequence: missense variant.
Genome position (GRCh38, 1-based): chr8:95,269,176, A>G on the plus strand (T>C on the coding strand, the complement: CFAP418 is on the minus strand). VCF-style: chr8-95269176-A-G. GRCh37 (hg19) VCF-style: chr8-96281404-A-G.
Other names: c.14T>C, p.Leu5Pro (NM_001363260.1); short protein forms L5P.
Identifiers: ClinVar variation 4977607 (VCV004977607.1).
Genomic context (GRCh38, chr8:95,269,176, plus strand): 5'-CCCCGTCTTAGAAGGTCAGGTGTGCAAAACTTGGACTCGACTTCATCCAAGAGCTCGTCC[A>G]GGTCCTCCGCCATCTTGAATCGCCTGGCCTTTTCCCCTCCAATCGCCAAGGCTCCGGTGG-3'
Protein context (NP_808880.1, residues 1-15): MAED[Leu5Pro]DELLDEVESK